The following is an entry in ClinVar:

ClinVar aggregate classification (germline): Uncertain significance (0 of 4 stars; one submission).

Conditions:
HTR2C-related disorder. Also called: HTR2C-related condition.

Submission:

PreventionGenetics, part of Exact Sciences
Classification: Uncertain significance for HTR2C-related condition. Last evaluated: 2023-11-03. Review status: no assertion criteria provided. Collection method: clinical testing. Allele origin: germline.
Comment: The HTR2C c.11T>G variant is predicted to result in the amino acid substitution p.Leu4Arg. To our knowledge, this variant has not been reported in the literature or in a large population database, indicating this variant is rare. At this time, the clinical significance of this variant is uncertain due to the absence of conclusive functional and genetic evidence.

NM_000868.4(HTR2C):c.11T>G (p.Leu4Arg)

Gene: HTR2C (5-hydroxytryptamine receptor 2C; plus strand). Cytogenetic location: Xq23.
Variant type: single nucleotide variant.
Coding change: c.11T>G on transcript NM_000868.4 (MANE Select); coding-DNA position 11, T replaced by G.
Protein change: p.Leu4Arg; replaces leucine 4 with arginine.
Molecular consequence: missense variant.
Genome position (GRCh38, 1-based): chrX:114,726,947, T>G. VCF-style: chrX-114726947-T-G. GRCh37 (hg19) VCF-style: chrX-113961356-T-G.
Other names: c.11T>G, p.Leu4Arg (NM_001256760.3, NM_001256761.3); short protein forms L4R.
Identifiers: ClinVar variation 3353479 (VCV003353479.1).